The following is an entry in ClinVar:

NM_005337.5(NCKAP1L):c.732T>A (p.Asp244Glu)

Gene: NCKAP1L (NCK associated protein 1 like; plus strand). Cytogenetic location: 12q13.2.
Variant type: single nucleotide variant.
Coding change: c.732T>A on transcript NM_005337.5 (MANE Select); coding-DNA position 732, T replaced by A.
Protein change: p.Asp244Glu; replaces aspartic acid 244 with glutamic acid.
Molecular consequence: missense variant.
Genome position (GRCh38, 1-based): chr12:54,509,982, T>A. VCF-style: chr12-54509982-T-A. GRCh37 (hg19) VCF-style: chr12-54903766-T-A.
Other names: c.582T>A, p.Asp194Glu (NM_001184976.2); c.732T>A (NM_005337.4); short protein forms D244E, D194E.
Identifiers: ClinVar variation 1926028 (VCV001926028.6), dbSNP rs764442781, ClinGen allele CA6608910.

ClinVar aggregate classification (germline): Uncertain significance. Review status: criteria provided, multiple submitters, no conflicts (2 of 4 stars). 2 submissions from 2 submitters: Uncertain significance (2). Last evaluated 2025-08-28.

Allele frequency attached by ClinVar (database versions not stated): ExAC 0.00002.
gnomAD v4.1: 15 of 1,614,194 alleles (0.00093%); highest among the groups gnomAD compares: Non-Finnish European, 0.0013%; no homozygotes.

Submissions (2):

Ambry Genetics
Classification: Uncertain significance. Last evaluated: 2025-08-28. Review status: criteria provided, single submitter. Criteria: Ambry Variant Classification Scheme 2023. Collection method: clinical testing. Allele origin: germline.

Labcorp Genetics (formerly Invitae), Labcorp
Classification: Uncertain significance. Last evaluated: 2022-07-02. Review status: criteria provided, single submitter. Criteria: Invitae Variant Classification Sherloc (09022015). Collection method: clinical testing. Allele origin: germline.
Comment: This sequence change replaces aspartic acid, which is acidic and polar, with glutamic acid, which is acidic and polar, at codon 244 of the NCKAP1L protein (p.Asp244Glu). This variant is present in population databases (rs764442781, gnomAD 0.003%). This variant has not been reported in the literature in individuals affected with NCKAP1L-related conditions. Algorithms developed to predict the effect of missense changes on protein structure and function output the following: SIFT: "Tolerated"; PolyPhen-2: "Benign"; Align-GVGD: "Class C0". The glutamic acid amino acid residue is found in multiple mammalian species, which suggests that this missense change does not adversely affect protein function. In summary, the available evidence is currently insufficient to determine the role of this variant in disease. Therefore, it has been classified as a Variant of Uncertain Significance.